The following is an entry in ClinVar:

ClinVar aggregate classification (germline): Likely benign. Review status: criteria provided, multiple submitters, no conflicts (2 of 4 stars). 2 submissions from 2 submitters: Likely benign (2). Last evaluated 2026-09-01.

Allele frequency attached by ClinVar (database versions not stated): TOPMed 0.00006; ExAC 0.00010.
gnomAD v4.1: 133 of 1,586,232 alleles (0.0084%); highest among the groups gnomAD compares: Middle Eastern, 0.12%; no homozygotes.

Submissions (2):

CeGaT Center for Human Genetics Tuebingen
Classification: Likely benign. Last evaluated: 2026-09-01. Review status: criteria provided, single submitter. Criteria: CeGaT Center For Human Genetics Tuebingen Variant Classification Criteria Version 2. Collection method: clinical testing. Allele origin: germline. Affected: yes. Observed: 1 variant allele.
Comment: TBX18: BP4, BP7

Labcorp Genetics (formerly Invitae), Labcorp
Classification: Likely benign. Last evaluated: 2023-10-13. Review status: criteria provided, single submitter. Criteria: Invitae Variant Classification Sherloc (09022015). Collection method: clinical testing. Allele origin: germline.

NM_001080508.3(TBX18):c.78C>T (p.Ile26=)

Gene: TBX18 (T-box transcription factor 18; minus strand). Cytogenetic location: 6q14.3.
Variant type: single nucleotide variant.
Coding change: c.78C>T on transcript NM_001080508.3 (MANE Select); coding-DNA position 78, C replaced by T.
Protein change: p.Ile26=; no amino-acid change (isoleucine 26 retained).
Molecular consequence: synonymous variant.
Genome position (GRCh38, 1-based): chr6:84,764,104, G>A on the plus strand (C>T on the coding strand, the complement: TBX18 is on the minus strand). VCF-style: chr6-84764104-G-A. GRCh37 (hg19) VCF-style: chr6-85473822-G-A.
Identifiers: ClinVar variation 2043670 (VCV002043670.5), dbSNP rs775800364, ClinGen allele CA3911207.